The following is an entry in ClinVar:

ClinVar aggregate classification (germline): Uncertain significance (0 of 4 stars; one submission).

Conditions:
Prostate cancer. Also called: Malignant tumor of prostate. Identifiers: Orphanet 1331, MedGen C0376358, MONDO:0008315, HP:0012125.

Submission:

Science for Life laboratory,  Karolinska Institutet
Classification: Uncertain significance for Malignant tumor of prostate. Review status: no assertion criteria provided. Collection method: not provided. Allele origin: somatic.
Comment: TumorID:SWE-1
ClinVar note: Converted during submission from Unknown to Uncertain significance.

NM_020190.5(OLFML3):c.402C>G (p.Asp134Glu)

Gene: OLFML3 (olfactomedin like 3; plus strand). Cytogenetic location: 1p13.2.
Variant type: single nucleotide variant.
Coding change: c.402C>G on transcript NM_020190.5 (MANE Select); coding-DNA position 402, C replaced by G.
Protein change: p.Asp134Glu; replaces aspartic acid 134 with glutamic acid.
Molecular consequence: missense variant.
Genome position (GRCh38, 1-based): chr1:113,980,950, C>G. VCF-style: chr1-113980950-C-G. GRCh37 (hg19) VCF-style: chr1-114523572-C-G.
Other names: c.342C>G, p.Asp114Glu (NM_001286352.3); c.219C>G, p.Asp73Glu (NM_001286353.3); short protein forms D134E, D114E, D73E.
Identifiers: ClinVar variation 161730 (VCV000161730.2), dbSNP rs193920761, ClinGen allele CA174681.